The following is an entry in ClinVar:

ClinVar aggregate classification (germline): Uncertain significance (1 of 4 stars; one submission).

gnomAD v4.1: 2 of 1,599,226 alleles (0.00013%); highest among the groups gnomAD compares: South Asian, 0.0011%; no homozygotes.

Submission:

Labcorp Genetics (formerly Invitae), Labcorp
Classification: Uncertain significance. Last evaluated: 2025-09-23. Review status: criteria provided, single submitter. Criteria: Invitae Variant Classification Sherloc (09022015). Collection method: clinical testing. Allele origin: germline.
Comment: This sequence change replaces valine, which is neutral and non-polar, with phenylalanine, which is neutral and non-polar, at codon 520 of the GRIN2D protein (p.Val520Phe). This variant is not present in population databases (gnomAD no frequency). This variant has not been reported in the literature in individuals affected with GRIN2D-related conditions. ClinVar contains an entry for this variant (Variation ID: 3709629). Invitae Evidence Modeling of protein sequence and biophysical properties (such as structural, functional, and spatial information, amino acid conservation, physicochemical variation, residue mobility, and thermodynamic stability) indicates that this missense variant is not expected to disrupt GRIN2D protein function with a negative predictive value of 80%. In summary, the available evidence is currently insufficient to determine the role of this variant in disease. Therefore, it has been classified as a Variant of Uncertain Significance.

NM_000836.4(GRIN2D):c.1558G>T (p.Val520Phe)

Gene: GRIN2D (glutamate ionotropic receptor NMDA type subunit 2D; plus strand). Cytogenetic location: 19q13.33.
Variant type: single nucleotide variant.
Coding change: c.1558G>T on transcript NM_000836.4 (MANE Select); coding-DNA position 1558, G replaced by T.
Protein change: p.Val520Phe; replaces valine 520 with phenylalanine.
Molecular consequence: missense variant.
Genome position (GRCh38, 1-based): chr19:48,415,009, G>T. VCF-style: chr19-48415009-G-T. GRCh37 (hg19) VCF-style: chr19-48918266-G-T.
Other names: short protein forms V520F.
Identifiers: ClinVar variation 3709629 (VCV003709629.2).